The following is an entry in ClinVar:

ClinVar aggregate classification (germline): Uncertain significance (1 of 4 stars; one submission).

Submission:

Labcorp Genetics (formerly Invitae), Labcorp
Classification: Uncertain significance. Last evaluated: 2022-02-23. Review status: criteria provided, single submitter. Criteria: Invitae Variant Classification Sherloc (09022015). Collection method: clinical testing. Allele origin: germline.
Comment: In summary, the available evidence is currently insufficient to determine the role of this variant in disease. Therefore, it has been classified as a Variant of Uncertain Significance. Algorithms developed to predict the effect of missense changes on protein structure and function (SIFT, PolyPhen-2, Align-GVGD) all suggest that this variant is likely to be disruptive. ClinVar contains an entry for this variant (Variation ID: 1008499). This variant has not been reported in the literature in individuals affected with IMPG2-related conditions. This variant is not present in population databases (gnomAD no frequency). This sequence change replaces glycine, which is neutral and non-polar, with arginine, which is basic and polar, at codon 602 of the IMPG2 protein (p.Gly602Arg).

NM_016247.4(IMPG2):c.1804G>C (p.Gly602Arg)

Gene: IMPG2 (interphotoreceptor matrix proteoglycan 2; minus strand). Cytogenetic location: 3q12.3.
Variant type: single nucleotide variant.
Coding change: c.1804G>C on transcript NM_016247.4 (MANE Select); coding-DNA position 1804, G replaced by C.
Protein change: p.Gly602Arg; replaces glycine 602 with arginine.
Molecular consequence: missense variant.
Genome position (GRCh38, 1-based): chr3:101,244,527, C>G on the plus strand (G>C on the coding strand, the complement: IMPG2 is on the minus strand). VCF-style: chr3-101244527-C-G. GRCh37 (hg19) VCF-style: chr3-100963371-C-G.
Other names: short protein forms G602R.
Identifiers: ClinVar variation 1008499 (VCV001008499.8), dbSNP rs1161723935, ClinGen allele CA353860073.
Genomic context (GRCh38, chr3:101,244,527, plus strand): 5'-CTGATGAAGTCTCACTCCATGGCCAAGTAATCAGATCTACCTTTTGCCCAGACCCTGAAC[C>G]TAAACCACCGTCAAATATTAACTCTTTTTCCATGGATGCATCTGGCAGGAAAGGGCTCAC-3'
Protein context (NP_057331.2, residues 592-612): EKELIFDGGL[Gly602Arg]SGSGQKVDLI